The following is an entry in ClinVar:

NM_000481.4(AMT):c.431C>T (p.Ser144Phe)

Gene: AMT (aminomethyltransferase; minus strand). Cytogenetic location: 3p21.31.
Variant type: single nucleotide variant.
Coding change: c.431C>T on transcript NM_000481.4 (MANE Select); coding-DNA position 431, C replaced by T.
Protein change: p.Ser144Phe; replaces serine 144 with phenylalanine.
Molecular consequence: missense variant. On other transcripts: non-coding transcript variant (1), intron variant (1).
Genome position (GRCh38, 1-based): chr3:49,420,251, G>A on the plus strand (C>T on the coding strand, the complement: AMT is on the minus strand). VCF-style: chr3-49420251-G-A. GRCh37 (hg19) VCF-style: chr3-49457684-G-A.
Other names: c.263C>T, p.Ser88Phe (NM_001164711.2); c.431C>T, p.Ser144Phe (NM_001164712.2); c.340-463C>T (NM_001164710.2); short protein forms S144F, S88F.
Identifiers: ClinVar variation 935445 (VCV000935445.7), dbSNP rs147482804, ClinGen allele CA2398373.

ClinVar aggregate classification (germline): Uncertain significance. Review status: criteria provided, multiple submitters, no conflicts (2 of 4 stars). 3 submissions from 3 submitters: Uncertain significance (2). 1 of the submissions does not count toward it. Last evaluated 2024-12-10.

Conditions:
Glycine encephalopathy. Also called: Nonketotic hyperglycinemia; Non-ketotic hyperglycinemia. Identifiers: Orphanet 407, MedGen C0751748, MONDO:0011612, HP:0008288.
Inborn genetic diseases. Identifiers: MedGen C0950123, MeSH D030342.

Allele frequency attached by ClinVar (database versions not stated): TOPMed 0.00002; ESP Exome Variant Server 0.00015; gnomAD exomes below 0.00001 and 0.00001; ExAC 0.00002; gnomAD 0.00002.
gnomAD v4.1: 9 of 1,614,070 alleles (0.00056%); highest among the groups gnomAD compares: African/African-American, 0.0093%; no homozygotes.

Submissions (3):

Ambry Genetics
Classification: Uncertain significance for Inborn genetic diseases. Last evaluated: 2024-12-10. Review status: criteria provided, single submitter. Criteria: Ambry Variant Classification Scheme 2023. Collection method: clinical testing. Allele origin: germline.

Labcorp Genetics (formerly Invitae), Labcorp
Classification: Uncertain significance for Glycine encephalopathy. Last evaluated: 2022-08-23. Review status: criteria provided, single submitter. Criteria: Invitae Variant Classification Sherloc (09022015). Collection method: clinical testing. Allele origin: germline.
Comment: This sequence change replaces serine, which is neutral and polar, with phenylalanine, which is neutral and non-polar, at codon 144 of the AMT protein (p.Ser144Phe). This variant is present in population databases (rs147482804, gnomAD 0.02%). This variant has not been reported in the literature in individuals affected with AMT-related conditions. ClinVar contains an entry for this variant (Variation ID: 935445). Advanced modeling of protein sequence and biophysical properties (such as structural, functional, and spatial information, amino acid conservation, physicochemical variation, residue mobility, and thermodynamic stability) performed at Invitae indicates that this missense variant is expected to disrupt AMT protein function. In summary, the available evidence is currently insufficient to determine the role of this variant in disease. Therefore, it has been classified as a Variant of Uncertain Significance.

Natera, Inc.
Classification: Uncertain significance for Non-ketotic hyperglycinemia. Last evaluated: 2020-04-15. Review status: no assertion criteria provided. Collection method: clinical testing. Allele origin: germline. Not counted in ClinVar's aggregate classification.